The following is an entry in ClinVar:

ClinVar aggregate classification (germline): Uncertain significance (1 of 4 stars; one submission).

Conditions:
Thrombocytopenia 2 (THC2). Also called: ANKRD26-Related Thrombocytopenia. Identifiers: Orphanet 268322, MedGen C1861185, MONDO:0008555, OMIM 188000.

gnomAD v4.1: 3 of 1,614,000 alleles (0.00019%); highest among the groups gnomAD compares: African/African-American, 0.0027%; no homozygotes.

Submission:

St. Jude Molecular Pathology, St. Jude Children's Research Hospital
Classification: Uncertain significance for Thrombocytopenia 2. Last evaluated: 2026-02-20. Review status: criteria provided, single submitter. Criteria: St. Jude Assertion Criteria 2020. Collection method: clinical testing. Allele origin: germline.
Comment: The ANKRD26 c.3270G>C p.(Lys1090Asn) missense change is absent in gnomAD v2.1.1. This variant is not located in the 5Ã¢ € ™ UTR. The in silico tool REVEL predicts a b enign effect on protein function, but to our knowledge this prediction has not been confirmed by functional studies. To our knowledge, this variant has not been reported in the literature in individuals with ANKRD26-related thrombocytopenia. In summary, the evidence currently available is insufficient to determine the clinical significance of this variant. It has therefore been classified as of uncertain significance.

NM_014915.3(ANKRD26):c.3270G>C (p.Lys1090Asn)

Gene: ANKRD26 (ankyrin repeat domain 26; minus strand). Cytogenetic location: 10p12.1.
Variant type: single nucleotide variant.
Coding change: c.3270G>C on transcript NM_014915.3 (MANE Select); coding-DNA position 3270, G replaced by C.
Protein change: p.Lys1090Asn; replaces lysine 1090 with asparagine.
Molecular consequence: missense variant.
Genome position (GRCh38, 1-based): chr10:27,035,180, C>G on the plus strand (G>C on the coding strand, the complement: ANKRD26 is on the minus strand). VCF-style: chr10-27035180-C-G. GRCh37 (hg19) VCF-style: chr10-27324109-C-G.
Other names: c.3267G>C, p.Lys1089Asn (NM_001256053.2); short protein forms K1089N, K1090N.
Identifiers: ClinVar variation 4813192 (VCV004813192.1).